The following is an entry in ClinVar:

NM_024741.3(ZNF408):c.1692C>G (p.His564Gln)

Gene: ZNF408 (zinc finger protein 408; plus strand). Cytogenetic location: 11p11.2.
Variant type: single nucleotide variant.
Coding change: c.1692C>G on transcript NM_024741.3 (MANE Select); coding-DNA position 1692, C replaced by G.
Protein change: p.His564Gln; replaces histidine 564 with glutamine.
Molecular consequence: missense variant.
Genome position (GRCh38, 1-based): chr11:46,705,392, C>G. VCF-style: chr11-46705392-C-G. GRCh37 (hg19) VCF-style: chr11-46726942-C-G.
Other names: c.1668C>G, p.His556Gln (NM_001184751.2); short protein forms H564Q, H556Q.
Identifiers: ClinVar variation 2824287 (VCV002824287.3), dbSNP rs1423907304, ClinGen allele CA380257338.

ClinVar aggregate classification (germline): Uncertain significance (1 of 4 stars; one submission).

Allele frequency attached by ClinVar (database versions not stated): TOPMed below 0.00001.

Submission:

Labcorp Genetics (formerly Invitae), Labcorp
Classification: Uncertain significance. Last evaluated: 2022-12-26. Review status: criteria provided, single submitter. Criteria: Invitae Variant Classification Sherloc (09022015). Collection method: clinical testing. Allele origin: germline.
Comment: This sequence change replaces histidine, which is basic and polar, with glutamine, which is neutral and polar, at codon 564 of the ZNF408 protein (p.His564Gln). This variant is not present in population databases (gnomAD no frequency). This variant has not been reported in the literature in individuals affected with ZNF408-related conditions. Algorithms developed to predict the effect of missense changes on protein structure and function are either unavailable or do not agree on the potential impact of this missense change (SIFT: "Deleterious"; PolyPhen-2: "Probably Damaging"; Align-GVGD: "Class C15"). In summary, the available evidence is currently insufficient to determine the role of this variant in disease. Therefore, it has been classified as a Variant of Uncertain Significance.